The following is an entry in ClinVar:

ClinVar aggregate classification (germline): Uncertain significance (1 of 4 stars; one submission).

Conditions:
Primary dilated cardiomyopathy (DCM). Also called: Dilated Cardiomyopathy. Identifiers: Orphanet 217604, MedGen C0007193, MeSH D002311, MONDO:0005021, HP:0001644. Inheritance: Various modes of inheritance.

Submission:

Labcorp Genetics (formerly Invitae), Labcorp
Classification: Uncertain significance for Primary dilated cardiomyopathy. Last evaluated: 2022-04-28. Review status: criteria provided, single submitter. Criteria: Invitae Variant Classification Sherloc (09022015). Collection method: clinical testing. Allele origin: germline.
Comment: This variant is not present in population databases (gnomAD no frequency). This sequence change replaces glutamic acid, which is acidic and polar, with lysine, which is basic and polar, at codon 147 of the NEBL protein (p.Glu147Lys). This variant has not been reported in the literature in individuals affected with NEBL-related conditions. In summary, the available evidence is currently insufficient to determine the role of this variant in disease. Therefore, it has been classified as a Variant of Uncertain Significance. Algorithms developed to predict the effect of missense changes on protein structure and function are either unavailable or do not agree on the potential impact of this missense change (SIFT: "Deleterious"; PolyPhen-2: "Benign"; Align-GVGD: "Class C15").

NM_006393.3(NEBL):c.439G>A (p.Glu147Lys)

Gene: NEBL (nebulette; minus strand). Cytogenetic location: 10p12.31.
Variant type: single nucleotide variant.
Coding change: c.439G>A on transcript NM_006393.3 (MANE Select); coding-DNA position 439, G replaced by A.
Protein change: p.Glu147Lys; replaces glutamic acid 147 with lysine.
Molecular consequence: missense variant. On other transcripts: intron variant (9).
Genome position (GRCh38, 1-based): chr10:20,880,835, C>T on the plus strand (G>A on the coding strand, the complement: NEBL is on the minus strand). VCF-style: chr10-20880835-C-T. GRCh37 (hg19) VCF-style: chr10-21169764-C-T.
Other names: c.250-67895G>A (NM_001377326.1, NM_001377327.1, NM_001377328.1); c.358-67895G>A (NM_213569.2, NM_001173484.2, NM_001377322.1); c.301-67895G>A (NM_001377324.1); c.292-67895G>A (NM_001377325.1); c.310-67895G>A (NM_001377323.1); short protein forms E147K.
Identifiers: ClinVar variation 1959086 (VCV001959086.5), dbSNP rs2492438066, ClinGen allele CA376104528.
Genomic context (GRCh38, chr10:20,880,835, plus strand): 5'-GAGAAATGCGCTTCCTTACATTACTCTGGTGTTTATTGACCTCCATGGCATGTTTAACCT[C>T]AGGGGGCTCCTTCATGTGGGCATAATCTGAGAATCCTTTGGCAGCATCATGTTTCTGCTT-3'
Protein context (NP_006384.1, residues 137-157): SDYAHMKEPP[Glu147Lys]VKHAMEVNKH